The following is an entry in ClinVar:

NM_020719.3(PRR12):c.3556G>C (p.Gly1186Arg)

Gene: PRR12 (proline rich 12; plus strand). Cytogenetic location: 19q13.33.
Variant type: single nucleotide variant.
Coding change: c.3556G>C on transcript NM_020719.3 (MANE Select); coding-DNA position 3556, G replaced by C.
Protein change: p.Gly1186Arg; replaces glycine 1186 with arginine.
Molecular consequence: missense variant.
Genome position (GRCh38, 1-based): chr19:49,597,891, G>C. VCF-style: chr19-49597891-G-C. GRCh37 (hg19) VCF-style: chr19-50101148-G-C.
Other names: short protein forms G1186R.
Identifiers: ClinVar variation 3723699 (VCV003723699.2).

ClinVar aggregate classification (germline): Uncertain significance (1 of 4 stars; one submission).

Submission:

Labcorp Genetics (formerly Invitae), Labcorp
Classification: Uncertain significance. Last evaluated: 2024-10-24. Review status: criteria provided, single submitter. Criteria: Invitae Variant Classification Sherloc (09022015). Collection method: clinical testing. Allele origin: germline.
Comment: This sequence change replaces glycine, which is neutral and non-polar, with arginine, which is basic and polar, at codon 1186 of the PRR12 protein (p.Gly1186Arg). This variant is not present in population databases (gnomAD no frequency). This variant has not been reported in the literature in individuals affected with PRR12-related conditions. An algorithm developed to predict the effect of missense changes on protein structure and function (PolyPhen-2) suggests that this variant is likely to be disruptive. In summary, the available evidence is currently insufficient to determine the role of this variant in disease. Therefore, it has been classified as a Variant of Uncertain Significance.